The following is an entry in ClinVar:

ClinVar aggregate classification (germline): Uncertain significance (1 of 4 stars; one submission).

Conditions:
Inborn genetic diseases. Identifiers: MedGen C0950123, MeSH D030342.

Submission:

Ambry Genetics
Classification: Uncertain significance for Inborn genetic diseases. Last evaluated: 2026-06-15. Review status: criteria provided, single submitter. Criteria: Ambry Variant Classification Scheme 2023. Collection method: clinical testing. Allele origin: germline.
Comment: The p.T134P variant (also known as c.400A>C), located in coding exon 3 of the MBD4 gene, results from an A to C substitution at nucleotide position 400. The threonine at codon 134 is replaced by proline, an amino acid with highly similar properties. This amino acid position is conserved. In addition, this alteration is predicted to be deleterious by in silico analysis. Based on the available evidence, the clinical significance of this variant remains unclear.

NM_001276270.2(MBD4):c.400A>C (p.Thr134Pro)

Gene: MBD4 (methyl-CpG binding domain 4, DNA glycosylase; minus strand). Cytogenetic location: 3q21.3.
Variant type: single nucleotide variant.
Coding change: c.400A>C on transcript NM_001276270.2 (MANE Select); coding-DNA position 400, A replaced by C.
Protein change: p.Thr134Pro; replaces threonine 134 with proline.
Molecular consequence: missense variant. On other transcripts: intron variant (1).
Genome position (GRCh38, 1-based): chr3:129,437,244, T>G on the plus strand (A>C on the coding strand, the complement: MBD4 is on the minus strand). VCF-style: chr3-129437244-T-G. GRCh37 (hg19) VCF-style: chr3-129156087-T-G.
Other names: c.400A>C, p.Thr134Pro (NM_001276271.2, NM_001276272.2, NM_003925.3); c.247+564A>C (NM_001276273.2); short protein forms T134P.
Identifiers: ClinVar variation 5023999 (VCV005023999.1).